The following is an entry in ClinVar:

NM_006767.4(LZTR1):c.370G>C (p.Val124Leu)

Gene: LZTR1 (leucine zipper like post translational regulator 1; plus strand). Cytogenetic location: 22q11.21.
Variant type: single nucleotide variant.
Coding change: c.370G>C on transcript NM_006767.4 (MANE Select); coding-DNA position 370, G replaced by C.
Protein change: p.Val124Leu; replaces valine 124 with leucine.
Molecular consequence: missense variant.
Genome position (GRCh38, 1-based): chr22:20,987,553, G>C. VCF-style: chr22-20987553-G-C. GRCh37 (hg19) VCF-style: chr22-21341842-G-C.
Other names: short protein forms V124L.
Identifiers: ClinVar variation 3391484 (VCV003391484.1).

ClinVar aggregate classification (germline): Likely pathogenic (1 of 4 stars; one submission).

Submission:

GeneDx
Classification: Likely pathogenic. Last evaluated: 2024-06-07. Review status: criteria provided, single submitter. Criteria: GeneDx Variant Classification Process June 2021. Collection method: clinical testing. Allele origin: germline. Affected: yes.
Comment: Not observed at significant frequency in large population cohorts (gnomAD); In silico analysis supports that this missense variant has a deleterious effect on protein structure/function; Has not been previously published as pathogenic or benign to our knowledge